The following is an entry in ClinVar:

ClinVar aggregate classification (germline): Likely benign. Review status: criteria provided, multiple submitters, no conflicts (2 of 4 stars). 2 submissions from 2 submitters: Likely benign (2). Last evaluated 2025-05-18.

Conditions:
Oligodontia-cancer predisposition syndrome. Also called: TOOTH AGENESIS-COLORECTAL CANCER SYNDROME. Identifiers: Orphanet 300576, MedGen C1837750, MONDO:0012075, OMIM 608615. Disease mechanism: loss of function.

Allele frequency attached by ClinVar (database versions not stated): gnomAD exomes below 0.00001 and 0.00001; ExAC 0.00002.
gnomAD v4.1: 4 of 1,613,460 alleles (0.00025%); highest among the groups gnomAD compares: Non-Finnish European, 0.00034%; no homozygotes.

Submissions (2):

Labcorp Genetics (formerly Invitae), Labcorp
Classification: Likely benign for Oligodontia-cancer predisposition syndrome. Last evaluated: 2025-05-18. Review status: criteria provided, single submitter. Criteria: Invitae Variant Classification Sherloc (09022015). Collection method: clinical testing. Allele origin: germline.

Myriad Genetics, Inc.
Classification: Likely benign for Oligodontia-cancer predisposition syndrome. Last evaluated: 2024-07-08. Review status: criteria provided, single submitter. Criteria: Myriad Autosomal Dominant, Autosomal Recessive and X-Linked Classification Criteria (2023). Collection method: clinical testing. Allele origin: unknown.
Comment: This variant is considered likely benign. This variant is intronic and is not expected to impact mRNA splicing.

NM_004655.4(AXIN2):c.1908-8T>C

Gene: AXIN2 (axin 2; minus strand). Cytogenetic location: 17q24.1.
Variant type: single nucleotide variant.
Coding change: c.1908-8T>C on transcript NM_004655.4 (MANE Select); 8 bases into the intron before coding-DNA position 1908, T replaced by C.
Molecular consequence: intron variant.
Genome position (GRCh38, 1-based): chr17:65,536,561, A>G on the plus strand (T>C on the coding strand, the complement: AXIN2 is on the minus strand). VCF-style: chr17-65536561-A-G. GRCh37 (hg19) VCF-style: chr17-63532679-A-G.
Other names: c.1713-8T>C (NM_001363813.1); c.1908-8T>C (LRG_296t1).
Identifiers: ClinVar variation 464583 (VCV000464583.9), dbSNP rs762678966, ClinGen allele CA8718457.